The following is an entry in ClinVar:

NM_002661.5(PLCG2):c.3423G>A (p.Met1141Ile)

Gene: PLCG2 (phospholipase C gamma 2; plus strand). Cytogenetic location: 16q23.3.
Variant type: single nucleotide variant.
Coding change: c.3423G>A on transcript NM_002661.5 (MANE Select); coding-DNA position 3423, G replaced by A.
Protein change: p.Met1141Ile; replaces methionine 1141 with isoleucine.
Molecular consequence: missense variant.
Genome position (GRCh38, 1-based): chr16:81,940,001, G>A. VCF-style: chr16-81940001-G-A. GRCh37 (hg19) VCF-style: chr16-81973606-G-A.
Other names: short protein forms M1141I.
Identifiers: ClinVar variation 1352250 (VCV001352250.10), dbSNP rs552036893, ClinGen allele CA8194711.

ClinVar aggregate classification (germline): Uncertain significance. Review status: criteria provided, multiple submitters, no conflicts (2 of 4 stars). 2 submissions from 2 submitters: Uncertain significance (2). Last evaluated 2026-01-13.

Conditions:
Autoinflammation-PLCG2-associated antibody deficiency-immune dysregulation. Also called: Autoinflammation, antibody deficiency, and immune dysregulation syndrome; Autoinflammation, antibody deficiency, and immune dysregulation, plcg2-associated; AUTOINFLAMMATION, ANTIBODY DEFICIENCY, AND IMMUNE DYSREGULATION. Identifiers: Orphanet 324530, MedGen C3553961, MONDO:0013944, OMIM 614878.
Familial cold autoinflammatory syndrome 3 (FCAS3). Also called: FAMILIAL ATYPICAL COLD URTICARIA; ANTIBODY DEFICIENCY AND IMMUNE DYSREGULATION, PLCG2-ASSOCIATED. Identifiers: Orphanet 300359, MedGen C3280914, MONDO:0013766, OMIM 614468.

Allele frequency attached by ClinVar (database versions not stated): gnomAD exomes below 0.00001 and 0.00001; ExAC 0.00002; gnomAD 0.00005; TOPMed 0.00007; 1000 Genomes Project 30x 0.00016; 1000 Genomes Project 0.00020.

Submissions (2):

Labcorp Genetics (formerly Invitae), Labcorp
Classification: Uncertain significance for Familial cold autoinflammatory syndrome 3. Last evaluated: 2026-01-13. Review status: criteria provided, single submitter. Criteria: Invitae Variant Classification Sherloc (09022015). Collection method: clinical testing. Allele origin: germline.
Comment: This sequence change replaces methionine, which is neutral and non-polar, with isoleucine, which is neutral and non-polar, at codon 1141 of the PLCG2 protein (p.Met1141Ile). This variant is present in population databases (rs552036893, gnomAD 0.02%). This missense change has been observed in individual(s) with clinical features of PLCG2-related conditions (PMID: 37769878). ClinVar contains an entry for this variant (Variation ID: 1352250). An algorithm developed to predict the effect of missense changes on protein structure and function outputs the following: PolyPhen-2: "Benign". The isoleucine amino acid residue is found in multiple mammalian species, which suggests that this missense change does not adversely affect protein function. Experimental studies have shown that this missense change does not substantially affect PLCG2 function (PMID: 37769878). In summary, the available evidence is currently insufficient to determine the role of this variant in disease. Therefore, it has been classified as a Variant of Uncertain Significance.

Fulgent Genetics
Classification: Uncertain significance for Familial cold autoinflammatory syndrome 3; Autoinflammation-PLCG2-associated antibody deficiency-immune dysregulation. Last evaluated: 2021-09-24. Review status: criteria provided, single submitter. Criteria: ACMG Guidelines, 2015. Collection method: clinical testing. Allele origin: unknown.

Literature cited by the submitters: PubMed 37769878 (cited by Labcorp Genetics (formerly Invitae), Labcorp).